The following is an entry in ClinVar:

NM_001374736.1(DST):c.1980G>T (p.Gln660His)

Gene: DST (dystonin; minus strand). Cytogenetic location: 6p12.1.
Variant type: single nucleotide variant.
Coding change: c.1980G>T on transcript NM_001374736.1 (MANE Select); coding-DNA position 1980, G replaced by T.
Protein change: p.Gln660His; replaces glutamine 660 with histidine.
Molecular consequence: missense variant.
Genome position (GRCh38, 1-based): chr6:56,641,994, C>A on the plus strand (G>T on the coding strand, the complement: DST is on the minus strand). VCF-style: chr6-56641994-C-A. GRCh37 (hg19) VCF-style: chr6-56506792-C-A.
Other names: c.1881G>T, p.Gln627His (NM_001144769.5); c.1467G>T, p.Gln489His (NM_001144770.2); c.1980G>T, p.Gln660His (NM_001374722.1); c.1347G>T, p.Gln449His (NM_001374729.1, NM_001374730.1, NM_001386100.1 and 1 more transcripts); c.2007G>T, p.Gln669His (NM_001374734.1); c.369G>T, p.Gln123His (NM_001723.7, NM_015548.5); short protein forms Q669H, Q123H, Q449H, Q489H, Q627H, Q660H.
Identifiers: ClinVar variation 2922736 (VCV002922736.2), dbSNP rs369251416, ClinGen allele CA3871518.
Genomic context (GRCh38, chr6:56,641,994, plus strand): 5'-GTAGCACTCTTACCTCTGTACCAATTGATCTGCCTGGTAGTATTTTCCATCAATAAGAAT[C>A]TGTACATCAATTACATGCTGGCGTAAAAGGTTCTCACATTCAAGTATATACCCAGCAATT-3'
Protein context (NP_001361665.1, residues 650-670): NLLRQHVIDV[Gln660His]ILIDGKYYQA

ClinVar aggregate classification (germline): Uncertain significance (1 of 4 stars; one submission).

Conditions:
Hereditary sensory and autonomic neuropathy type 6. Also called: Neuropathy, hereditary sensory and autonomic, type VI; HSAN VI. Identifiers: Orphanet 314381, MedGen C3539003, MONDO:0013839, OMIM 614653.
Epidermolysis bullosa simplex 3, localized or generalized intermediate, with BP230 deficiency (EBS3). Also called: Epidermolysis bullosa simplex, autosomal recessive 2; Epidermolysis bullosa simplex due to BP230 deficiency. Identifiers: Orphanet 412181, MedGen C3809470, MONDO:0014180, OMIM 615425.

Allele frequency attached by ClinVar (database versions not stated): gnomAD exomes 0.00001; ExAC 0.00002; gnomAD 0.00003; ESP Exome Variant Server 0.00008; TOPMed 0.00008.
gnomAD v4.1: 17 of 1,613,378 alleles (0.0011%); highest among the groups gnomAD compares: African/African-American, 0.017%; no homozygotes.

Submission:

Labcorp Genetics (formerly Invitae), Labcorp
Classification: Uncertain significance for Epidermolysis bullosa simplex 3, localized or generalized intermediate, with BP230 deficiency; Hereditary sensory and autonomic neuropathy type 6. Last evaluated: 2024-11-04. Review status: criteria provided, single submitter. Criteria: Invitae Variant Classification Sherloc (09022015). Collection method: clinical testing. Allele origin: germline.
Comment: This sequence change replaces glutamine, which is neutral and polar, with histidine, which is basic and polar, at codon 123 of the DST protein (p.Gln123His). This variant is present in population databases (rs369251416, gnomAD 0.02%). This variant has not been reported in the literature in individuals affected with DST-related conditions. ClinVar contains an entry for this variant (Variation ID: 2922736). An algorithm developed to predict the effect of missense changes on protein structure and function (PolyPhen-2) suggests that this variant is likely to be disruptive. In summary, the available evidence is currently insufficient to determine the role of this variant in disease. Therefore, it has been classified as a Variant of Uncertain Significance.